The following is an entry in ClinVar:

NM_001130438.3(SPTAN1):c.1649C>T (p.Ala550Val)

Gene: SPTAN1 (spectrin alpha, non-erythrocytic 1; plus strand). Cytogenetic location: 9q34.11.
Variant type: single nucleotide variant.
Coding change: c.1649C>T on transcript NM_001130438.3 (MANE Select); coding-DNA position 1649, C replaced by T.
Protein change: p.Ala550Val; replaces alanine 550 with valine.
Molecular consequence: missense variant.
Genome position (GRCh38, 1-based): chr9:128,582,555, C>T. VCF-style: chr9-128582555-C-T. GRCh37 (hg19) VCF-style: chr9-131344834-C-T.
Other names: c.1649C>T, p.Ala550Val (NM_001195532.2, NM_001363759.2, NM_001363765.2 and 5 more transcripts); c.1685C>T, p.Ala562Val (NM_001375312.2, NM_001375318.1); short protein forms A550V, A562V.
Identifiers: ClinVar variation 1520255 (VCV001520255.7), dbSNP rs1297146654, ClinGen allele CA375054879.

ClinVar aggregate classification (germline): Uncertain significance (1 of 4 stars; one submission).

Conditions:
Early-infantile DEE. Also called: Ohtahara syndrome; Early infantile epileptic encephalopathy; Early infantile epileptic encephalopathy with suppression bursts. Identifiers: Orphanet 1934, MedGen C0393706, MONDO:0800491.

Allele frequency attached by ClinVar (database versions not stated): gnomAD 0.00001.

Submission:

Labcorp Genetics (formerly Invitae), Labcorp
Classification: Uncertain significance for Early-infantile DEE. Last evaluated: 2023-12-12. Review status: criteria provided, single submitter. Criteria: Invitae Variant Classification Sherloc (09022015). Collection method: clinical testing. Allele origin: germline.
Comment: This sequence change replaces alanine, which is neutral and non-polar, with valine, which is neutral and non-polar, at codon 550 of the SPTAN1 protein (p.Ala550Val). This variant is present in population databases (no rsID available, gnomAD 0.02%). This variant has not been reported in the literature in individuals affected with SPTAN1-related conditions. ClinVar contains an entry for this variant (Variation ID: 1520255). An algorithm developed to predict the effect of missense changes on protein structure and function (PolyPhen-2) suggests that this variant is likely to be disruptive. In summary, the available evidence is currently insufficient to determine the role of this variant in disease. Therefore, it has been classified as a Variant of Uncertain Significance.